The following is an entry in ClinVar:

NM_020549.5(CHAT):c.486C>A (p.Ser162Arg)

Gene: CHAT (choline O-acetyltransferase; plus strand). Cytogenetic location: 10q11.23.
Variant type: single nucleotide variant.
Coding change: c.486C>A on transcript NM_020549.5 (MANE Select); coding-DNA position 486, C replaced by A.
Protein change: p.Ser162Arg; replaces serine 162 with arginine.
Molecular consequence: missense variant.
Genome position (GRCh38, 1-based): chr10:49,619,823, C>A. VCF-style: chr10-49619823-C-A. GRCh37 (hg19) VCF-style: chr10-50827869-C-A.
Other names: c.132C>A, p.Ser44Arg (NM_001142929.2, NM_001142934.2, NM_020984.4 and 2 more transcripts); c.240C>A, p.Ser80Arg (NM_001142933.2); short protein forms S44R, S162R, S80R.
Identifiers: ClinVar variation 1398311 (VCV001398311.8), dbSNP rs2132710676, ClinGen allele CA376726901.

ClinVar aggregate classification (germline): Uncertain significance (1 of 4 stars; one submission).

Conditions:
Familial infantile myasthenia (CMS6). Also called: Congenital myasthenic syndrome type 6; MYASTHENIC SYNDROME, PRESYNAPTIC, CONGENITAL, ASSOCIATED WITH EPISODIC APNEA; MYASTHENIC SYNDROME, CONGENITAL, 6, PRESYNAPTIC. Identifiers: Orphanet 590, MedGen C0393929, MONDO:0009689, OMIM 254210.

gnomAD v4.1: 2 of 1,613,962 alleles (0.00012%); highest among the groups gnomAD compares: African/African-American, 0.0027%; no homozygotes.

Submission:

Labcorp Genetics (formerly Invitae), Labcorp
Classification: Uncertain significance for Familial infantile myasthenia. Last evaluated: 2022-06-20. Review status: criteria provided, single submitter. Criteria: Invitae Variant Classification Sherloc (09022015). Collection method: clinical testing. Allele origin: germline.
Comment: This sequence change replaces serine, which is neutral and polar, with arginine, which is basic and polar, at codon 162 of the CHAT protein (p.Ser162Arg). This variant is not present in population databases (gnomAD no frequency). This variant has not been reported in the literature in individuals affected with CHAT-related conditions. Advanced modeling of protein sequence and biophysical properties (such as structural, functional, and spatial information, amino acid conservation, physicochemical variation, residue mobility, and thermodynamic stability) performed at Invitae indicates that this missense variant is not expected to disrupt CHAT protein function. In summary, the available evidence is currently insufficient to determine the role of this variant in disease. Therefore, it has been classified as a Variant of Uncertain Significance.